The following is an entry in ClinVar:

ClinVar aggregate classification (germline): Uncertain significance (1 of 4 stars; one submission).

Conditions:
COG8-congenital disorder of glycosylation. Also called: CDG IIh; COG8-CDG. Identifiers: Orphanet 95428, MedGen C1970021, MONDO:0012635, OMIM 611182.

Allele frequency attached by ClinVar (database versions not stated): gnomAD exomes below 0.00001 and 0.00001; ExAC 0.00008.
gnomAD v4.1: 4 of 1,548,544 alleles (0.00026%); highest among the groups gnomAD compares: South Asian, 0.0036%; no homozygotes.

Submission:

Labcorp Genetics (formerly Invitae), Labcorp
Classification: Uncertain significance for COG8-congenital disorder of glycosylation. Last evaluated: 2024-12-09. Review status: criteria provided, single submitter. Criteria: Invitae Variant Classification Sherloc (09022015). Collection method: clinical testing. Allele origin: germline.
Comment: This sequence change replaces glycine, which is neutral and non-polar, with glutamic acid, which is acidic and polar, at codon 598 of the COG8 protein (p.Gly598Glu). This variant is present in population databases (rs774046470, gnomAD 0.004%). This variant has not been reported in the literature in individuals affected with COG8-related conditions. ClinVar contains an entry for this variant (Variation ID: 1355215). An algorithm developed to predict the effect of missense changes on protein structure and function outputs the following: PolyPhen-2: "Benign". The glutamic acid amino acid residue is found in multiple mammalian species, which suggests that this missense change does not adversely affect protein function. In summary, the available evidence is currently insufficient to determine the role of this variant in disease. Therefore, it has been classified as a Variant of Uncertain Significance.

NM_032382.5(COG8):c.1793G>A (p.Gly598Glu)

Genes: COG8 (component of oligomeric golgi complex 8; minus strand), LOC130059304 (ATAC-STARR-seq lymphoblastoid silent region 7657; plus strand). Cytogenetic location: 16q22.1.
Variant type: single nucleotide variant.
Coding change: c.1793G>A on transcript NM_032382.5 (MANE Select); coding-DNA position 1793, G replaced by A.
Protein change: p.Gly598Glu; replaces glycine 598 with glutamic acid.
Molecular consequence: missense variant. On other transcripts: intron variant (3).
Genome position (GRCh38, 1-based): chr16:69,330,885, C>T on the plus strand (G>A on the coding strand, the complement: COG8 is on the minus strand). VCF-style: chr16-69330885-C-T. GRCh37 (hg19) VCF-style: chr16-69364788-C-T.
Other names: c.1934G>A, p.Gly645Glu (NM_001379261.1); c.1832G>A, p.Gly611Glu (NM_001379263.1); c.1793G>A, p.Gly598Glu (NM_001379264.1); c.1414-1706G>A (NM_001379266.1); c.1583-1706G>A (NM_001379265.1); c.1759+34G>A (NM_001379262.1); short protein forms G598E, G611E, G645E.
Identifiers: ClinVar variation 1355215 (VCV001355215.6), dbSNP rs774046470, ClinGen allele CA8133602.
Genomic context (GRCh38, chr16:69,330,885, plus strand): 5'-GCAGGGGACGCCGGCTAGGGCCCCACGCTGGGCGGTTCGGCCTGCGTCTCCGCTCGCCCT[C>T]CCTCCGGGCAGGCTGGGCCCGCGGGCTCCAGGCGTGGCTCCTCGGCGGGAGGCTCTGGTG-3'
Protein context (NP_115758.3, residues 588-608): LEPAGPACPE[Gly598Glu]GRAETQAEPP